The following is an entry in ClinVar:

NM_004211.5(SLC6A5):c.1641T>G (p.Phe547Leu)

Gene: SLC6A5 (solute carrier family 6 member 5; plus strand). Cytogenetic location: 11p15.1.
Variant type: single nucleotide variant.
Coding change: c.1641T>G on transcript NM_004211.5 (MANE Select); coding-DNA position 1641, T replaced by G.
Protein change: p.Phe547Leu; replaces phenylalanine 547 with leucine.
Molecular consequence: missense variant.
Genome position (GRCh38, 1-based): chr11:20,636,323, T>G. VCF-style: chr11-20636323-T-G. GRCh37 (hg19) VCF-style: chr11-20657869-T-G.
Other names: c.939T>G, p.Phe313Leu (NM_001318369.2); short protein forms F547L, F313L.
Identifiers: ClinVar variation 1464961 (VCV001464961.6), dbSNP rs2133808393, ClinGen allele CA379917846.

ClinVar aggregate classification (germline): Likely pathogenic (1 of 4 stars; one submission).

Conditions:
Hyperekplexia 3 (HKPX3). Also called: HYPEREKPLEXIA 3, AUTOSOMAL RECESSIVE; HYPEREKPLEXIA 3, AUTOSOMAL DOMINANT. Identifiers: Orphanet 3197, MedGen C3553288, MONDO:0013827, OMIM 614618.

Submission:

Labcorp Genetics (formerly Invitae), Labcorp
Classification: Likely pathogenic for Hyperekplexia 3. Last evaluated: 2022-11-01. Review status: criteria provided, single submitter. Criteria: Invitae Variant Classification Sherloc (09022015). Collection method: clinical testing. Allele origin: germline.
Comment: This variant is not present in population databases (gnomAD no frequency). This variant has not been reported in the literature in individuals affected with SLC6A5-related conditions. ClinVar contains an entry for this variant (Variation ID: 1464961). Advanced modeling of protein sequence and biophysical properties (such as structural, functional, and spatial information, amino acid conservation, physicochemical variation, residue mobility, and thermodynamic stability) has been performed at Invitae for this missense variant, however the output from this modeling did not meet the statistical confidence thresholds required to predict the impact of this variant on SLC6A5 protein function. This variant disrupts the p.Phe547 amino acid residue in SLC6A5. Other variant(s) that disrupt this residue have been determined to be pathogenic (PMID: 22700964; Invitae). This suggests that this residue is clinically significant, and that variants that disrupt this residue are likely to be disease-causing. In summary, the currently available evidence indicates that the variant is pathogenic, but additional data are needed to prove that conclusively. Therefore, this variant has been classified as Likely Pathogenic. This sequence change replaces phenylalanine, which is neutral and non-polar, with leucine, which is neutral and non-polar, at codon 547 of the SLC6A5 protein (p.Phe547Leu).

Literature cited by the submitters: PubMed 22700964.